The following is an entry in ClinVar:

NM_000209.4(PDX1):c.191A>G (p.Asp64Gly)

Gene: PDX1 (pancreatic and duodenal homeobox 1; plus strand). Cytogenetic location: 13q12.2.
Variant type: single nucleotide variant.
Coding change: c.191A>G on transcript NM_000209.4 (MANE Select); coding-DNA position 191, A replaced by G.
Protein change: p.Asp64Gly; replaces aspartic acid 64 with glycine.
Molecular consequence: missense variant.
Genome position (GRCh38, 1-based): chr13:27,920,329, A>G. VCF-style: chr13-27920329-A-G. GRCh37 (hg19) VCF-style: chr13-28494466-A-G.
Other names: short protein forms D64G.
Identifiers: ClinVar variation 1400792 (VCV001400792.8), dbSNP rs1342320098, ClinGen allele CA387644309.
Genomic context (GRCh38, chr13:27,920,329, plus strand): 5'-CGCCGCCGCCGCACCCGTTCCCTGGCGCCCTGGGCGCGCTGGAGCAGGGCAGCCCCCCGG[A>G]CATCTCCCCGTACGAGGTGCCCCCCCTCGCCGACGACCCCGCGGTGGCGCACCTTCACCA-3'
Protein context (NP_000200.1, residues 54-74): LGALEQGSPP[Asp64Gly]ISPYEVPPLA

ClinVar aggregate classification (germline): Uncertain significance (1 of 4 stars; one submission).

Allele frequency attached by ClinVar (database versions not stated): gnomAD exomes 0.00001.

Submission:

Labcorp Genetics (formerly Invitae), Labcorp
Classification: Uncertain significance. Last evaluated: 2020-12-28. Review status: criteria provided, single submitter. Criteria: Invitae Variant Classification Sherloc (09022015). Collection method: clinical testing. Allele origin: germline.
Comment: In summary, the available evidence is currently insufficient to determine the role of this variant in disease. Therefore, it has been classified as a Variant of Uncertain Significance. Advanced modeling of protein sequence and biophysical properties (such as structural, functional, and spatial information, amino acid conservation, physicochemical variation, residue mobility, and thermodynamic stability) performed at Invitae indicates that this missense variant is expected to disrupt PDX1 protein function. This variant has not been reported in the literature in individuals with PDX1-related conditions. The frequency data for this variant in the population databases is considered unreliable, as metrics indicate insufficient coverage at this position in the ExAC database. This sequence change replaces aspartic acid with glycine at codon 64 of the PDX1 protein (p.Asp64Gly). The aspartic acid residue is highly conserved and there is a moderate physicochemical difference between aspartic acid and glycine.